The following is an entry in ClinVar:

ClinVar aggregate classification (germline): Uncertain significance (1 of 4 stars; one submission).

Submission:

Labcorp Genetics (formerly Invitae), Labcorp
Classification: Uncertain significance. Last evaluated: 2025-04-17. Review status: criteria provided, single submitter. Criteria: Invitae Variant Classification Sherloc (09022015). Collection method: clinical testing. Allele origin: germline.
Comment: This sequence change replaces histidine, which is basic and polar, with glutamine, which is neutral and polar, at codon 81 of the MAFB protein (p.His81Gln). This variant is not present in population databases (gnomAD no frequency). This variant has not been reported in the literature in individuals affected with MAFB-related conditions. Invitae Evidence Modeling of protein sequence and biophysical properties (such as structural, functional, and spatial information, amino acid conservation, physicochemical variation, residue mobility, and thermodynamic stability) indicates that this missense variant is not expected to disrupt MAFB protein function with a negative predictive value of 95%. In summary, the available evidence is currently insufficient to determine the role of this variant in disease. Therefore, it has been classified as a Variant of Uncertain Significance.

NM_005461.5(MAFB):c.243C>A (p.His81Gln)

Gene: MAFB (MAF bZIP transcription factor B; minus strand). Cytogenetic location: 20q12.
Variant type: single nucleotide variant.
Coding change: c.243C>A on transcript NM_005461.5 (MANE Select); coding-DNA position 243, C replaced by A.
Protein change: p.His81Gln; replaces histidine 81 with glutamine.
Molecular consequence: missense variant.
Genome position (GRCh38, 1-based): chr20:40,688,608, G>T on the plus strand (C>A on the coding strand, the complement: MAFB is on the minus strand). VCF-style: chr20-40688608-G-T. GRCh37 (hg19) VCF-style: chr20-39317248-G-T.
Other names: short protein forms H81Q.
Identifiers: ClinVar variation 4766645 (VCV004766645.1).
Genomic context (GRCh38, chr20:40,688,608, plus strand): 5'-GTTGAGCGCCTCGGGGTTCATCTGCTGGTAGTTGCTCGCCATCCAGTACAGATCCTCGAG[G>T]TGTGTCTTCTGTTCGGTCGGGCTGAAGCTGGGCGACGAGGGCACGGAGCTACACGGAGTG-3'
Protein context (NP_005452.2, residues 71-91): PSFSPTEQKT[His81Gln]LEDLYWMASN